The following is an entry in ClinVar:

NM_000256.3(MYBPC3):c.3205C>T (p.Pro1069Ser)

Gene: MYBPC3 (myosin binding protein C3; minus strand). Cytogenetic location: 11p11.2.
Variant type: single nucleotide variant.
Coding change: c.3205C>T on transcript NM_000256.3 (MANE Select); coding-DNA position 3205, C replaced by T.
Protein change: p.Pro1069Ser; replaces proline 1069 with serine.
Molecular consequence: missense variant.
Genome position (GRCh38, 1-based): chr11:47,333,319, G>A on the plus strand (C>T on the coding strand, the complement: MYBPC3 is on the minus strand). VCF-style: chr11-47333319-G-A. GRCh37 (hg19) VCF-style: chr11-47354870-G-A.
Other names: short protein forms P1069S.
Identifiers: ClinVar variation 1407171 (VCV001407171.8), dbSNP rs1014555110, ClinGen allele CA221682579.
Genomic context (GRCh38, chr11:47,333,319, plus strand): 5'-GTGGCTTCCACTCCAGAGCCACATTAAGACCCCAGGCGTCAGTCACCCGGAGATCCTGGG[G>A]AGGACTTGGCTTGTCTGCGGGAGACAGACCCAGTTGGGTCACCACGCCTCCTGACAGTGA-3'
Protein context (NP_000247.2, residues 1059-1079): VLQVVDKPSP[Pro1069Ser]QDLRVTDAWG

ClinVar aggregate classification (germline): Uncertain significance (1 of 4 stars; one submission).

Conditions:
Hypertrophic cardiomyopathy. Also called: HYPERTROPHIC MYOCARDIOPATHY. Identifiers: Orphanet 217569, MedGen C0007194, MeSH D002312, MONDO:0005045, HP:0001639.

Submission:

Labcorp Genetics (formerly Invitae), Labcorp
Classification: Uncertain significance for Hypertrophic cardiomyopathy. Last evaluated: 2024-02-19. Review status: criteria provided, single submitter. Criteria: Invitae Variant Classification Sherloc (09022015). Collection method: clinical testing. Allele origin: germline.
Comment: This sequence change replaces proline, which is neutral and non-polar, with serine, which is neutral and polar, at codon 1069 of the MYBPC3 protein (p.Pro1069Ser). This variant is not present in population databases (gnomAD no frequency). This variant has not been reported in the literature in individuals affected with MYBPC3-related conditions. ClinVar contains an entry for this variant (Variation ID: 1407171). An algorithm developed to predict the effect of missense changes on protein structure and function (PolyPhen-2) suggests that this variant is likely to be disruptive. In summary, the available evidence is currently insufficient to determine the role of this variant in disease. Therefore, it has been classified as a Variant of Uncertain Significance.